The following is an entry in ClinVar:

NM_016156.6(MTMR2):c.1490dup (p.Phe498fs)

Gene: MTMR2 (myotubularin related protein 2; minus strand). Cytogenetic location: 11q21.
Variant type: Duplication.
Coding change: c.1490dup on transcript NM_016156.6 (MANE Select); coding-DNA position 1490, one base duplicated (C; older notation c.1490dupC).
Protein change: p.Phe498fs; shifts the reading frame from phenylalanine 498.
Molecular consequence: frameshift variant.
Genome position (GRCh38, 1-based): chr11:95,838,197, G duplicated on the plus strand (C on the coding strand, the reverse complement: MTMR2 is on the minus strand). VCF-style (leftmost placement, unchanged base first): chr11-95838196-T-TG. GRCh37 (hg19) VCF-style: chr11-95571360-T-TG.
Other names: c.1274dup, p.Phe426fs (NM_001243571.2, NM_201278.3, NM_201281.3); short protein forms F426fs, F498fs.
Identifiers: ClinVar variation 684408 (VCV000684408.1), dbSNP rs1590971080, ClinGen allele CA915940598.

ClinVar aggregate classification (germline): Pathogenic (1 of 4 stars; one submission).

Conditions:
Charcot-Marie-Tooth disease type 4B1. Also called: CHARCOT-MARIE-TOOTH DISEASE, AUTOSOMAL RECESSIVE, WITH FOCALLY FOLDED MYELIN SHEATHS, AUTOSOMAL RECESSIVE, TYPE 4B1; CHARCOT-MARIE-TOOTH DISEASE, TYPE 4B; CHARCOT-MARIE-TOOTH DISEASE, DEMYELINATING, TYPE 4B1; Charcot-Marie-Tooth Neuropathy Type 4B1. Identifiers: Orphanet 99955, MedGen C1832399, MONDO:0011066, OMIM 601382.

Submission:

Cirak Lab, University Hospital Cologne
Classification: Pathogenic for Charcot-Marie-Tooth disease type 4B1. Last evaluated: 2019-04-01. Review status: criteria provided, single submitter. Criteria: ACMG Guidelines, 2015. Collection method: research. Allele origin: inherited. Affected: yes.
Comment: This variant was observed as a homozygote.